The following is an entry in ClinVar:

NM_016734.3(PAX5):c.605G>A (p.Gly202Asp)

Gene: PAX5 (paired box 5; minus strand). Cytogenetic location: 9p13.2.
Variant type: single nucleotide variant.
Coding change: c.605G>A on transcript NM_016734.3 (MANE Select); coding-DNA position 605, G replaced by A.
Protein change: p.Gly202Asp; replaces glycine 202 with aspartic acid.
Molecular consequence: missense variant. On other transcripts: non-coding transcript variant (2).
Genome position (GRCh38, 1-based): chr9:36,966,724, C>T on the plus strand (G>A on the coding strand, the complement: PAX5 is on the minus strand). VCF-style: chr9-36966724-C-T. GRCh37 (hg19) VCF-style: chr9-36966721-C-T.
Other names: c.605G>A, p.Gly202Asp (NM_001280547.2, NM_001280548.2, NM_001280549.2 and 2 more transcripts); c.281G>A, p.Gly94Asp (NM_001280551.2, NM_001280556.2); c.476G>A, p.Gly159Asp (NM_001280553.2, NM_001280554.2); c.407G>A, p.Gly136Asp (NM_001280555.2); c.605G>A (NM_016734.1); short protein forms G136D, G159D, G202D, G94D.
Identifiers: ClinVar variation 1338554 (VCV001338554.5), dbSNP rs1210320854, ClinGen allele CA373487048.
Genomic context (GRCh38, chr9:36,966,724, plus strand): 5'-TTCCGGAGGAAGTCTCTGCCCGGAAGCGAGTGGCCGTTCGGCACCGGAGACTCCTGAATA[C>T]CTTTGATGAGCAGGAGAGAGGAAGGGTGAGTGGAGGTTATACACGTTGCTAAAGAAAGAC-3'
Protein context (NP_057953.1, residues 192-212): ADTNKRKRDE[Gly202Asp]IQESPVPNGH

ClinVar aggregate classification (germline): Uncertain significance. Review status: criteria provided, multiple submitters, no conflicts (2 of 4 stars). 2 submissions from 2 submitters: Uncertain significance (2). Last evaluated 2024-12-23.

Conditions:
Inborn genetic diseases. Identifiers: MedGen C0950123, MeSH D030342.

Allele frequency attached by ClinVar (database versions not stated): gnomAD exomes below 0.00001.

Submissions (2):

Ambry Genetics
Classification: Uncertain significance for Inborn genetic diseases. Last evaluated: 2024-12-23. Review status: criteria provided, single submitter. Criteria: Ambry Variant Classification Scheme 2023. Collection method: clinical testing. Allele origin: germline.
Comment: The p.G202D variant (also known as c.605G>A) is located in coding exon 6 of the PAX5 gene. The glycine at codon 202 is replaced by aspartic acid, an amino acid with similar properties. This change occurs in the first base pair of coding exon 6. This amino acid position is conserved. In addition, this alteration is predicted to be deleterious by in silico analysis. Based on the available evidence, the clinical significance of this variant remains unclear.

Genetic Services Laboratory, University of Chicago
Classification: Uncertain significance. Last evaluated: 2019-11-21. Review status: criteria provided, single submitter. Criteria: ACMG Guidelines, 2015. Collection method: clinical testing. Allele origin: germline. Affected: no.